The following is an entry in ClinVar:

NM_000059.4(BRCA2):c.6814del (p.Arg2272fs)

Gene: BRCA2 (BRCA2 DNA repair associated; plus strand). Cytogenetic location: 13q13.1.
Variant type: Deletion.
Coding change: c.6814del on transcript NM_000059.4 (MANE Select); coding-DNA position 6814, one base deleted (A; older notation c.6814delA).
Protein change: p.Arg2272fs; shifts the reading frame from arginine 2272.
Molecular consequence: frameshift variant.
Genome position (GRCh38, 1-based): chr13:32,341,169, A deleted; the last of 5 consecutive A bases (chr13:32,341,165-32,341,169); deleting any one gives the same sequence. VCF-style (leftmost placement, unchanged base first): chr13-32341164-GA-G. GRCh37 (hg19) VCF-style: chr13-32915301-GA-G.
Other names: 7042delA; c.6814delA (NM_000059.3).
Identifiers: ClinVar variation 52196 (VCV000052196.26), dbSNP rs397507885, ClinGen allele CA024434.

ClinVar aggregate classification (germline): Pathogenic. Review status: reviewed by expert panel (3 of 4 stars). 12 submissions from 12 submitters: Pathogenic (1). 11 of the submissions do not count toward it. Last evaluated 2016-10-18.

Conditions:
Hereditary cancer-predisposing syndrome. Also called: Tumor predisposition; Neoplastic Syndromes, Hereditary; Hereditary Cancer Syndrome; Hereditary neoplastic syndrome. Identifiers: Orphanet 140162, MedGen C0027672, MeSH D009386, MONDO:0015356.
Hereditary breast ovarian cancer syndrome. Also called: Hereditary breast and ovarian cancer syndrome (HBOC); Hereditary breast and ovarian cancer syndrome; Hereditary breast and ovarian cancer; Hereditary breast and/or ovarian cancer syndrome; Breast and ovarian cancer; BRCA1- and BRCA2-Associated Hereditary Breast and Ovarian Cancer. Identifiers: Orphanet 145, MedGen C0677776, MeSH D061325, MONDO:0003582. Disease mechanism: loss of function.
Breast-ovarian cancer, familial, susceptibility to, 2 (BROVCA2). Also called: BRCA2 Hereditary Breast and Ovarian Cancer. Identifiers: Orphanet 145, MedGen C2675520, MONDO:0012933, OMIM 612555. Disease mechanism: loss of function.
Breast-ovarian cancer, familial, susceptibility to, 1 (BROVCA1). Also called: OVARIAN CANCER, SUSCEPTIBILITY TO; BRCA1 Hereditary Breast and Ovarian Cancer. Identifiers: Orphanet 145, MedGen C2676676, MONDO:0011450, OMIM 604370. Disease mechanism: loss of function.

Submissions (12):

Evidence-based Network for the Interpretation of Germline Mutant Alleles (ENIGMA)
Classification: Pathogenic for Breast-ovarian cancer, familial, susceptibility to, 2. Last evaluated: 2016-10-18. Review status: reviewed by expert panel. Criteria: ENIGMA BRCA1/2 Classification Criteria (2015). Collection method: curation. Allele origin: germline.
Comment: Variant allele predicted to encode a truncated non-functional protein.

GeneKor MSA
Classification: Pathogenic for Hereditary breast ovarian cancer syndrome. Last evaluated: 2025-05-15. Review status: criteria provided, single submitter. Criteria: ACMG Guidelines, 2015. Collection method: clinical testing. Allele origin: germline. Not counted in ClinVar's aggregate classification.
Comment: This sequence change deletes one base in exon 11 of the BRCA2mRNA c.(6814del), causing a frameshift after codon 2272. This creates a premature translational stop signal 8 amino acid residues later p.(Arg2272Glufs*8) and is expected to result in an absent or disrupted protein product. Truncating variants in BRCA2 are known to be pathogenic (PMID:20104584). This variant is not present in population databases (rs397507885,ExAC no frequency). This premature translational stop signal has been observed in individual(s) with a personal and/or family history of breast or ovarian cancer (PMID:22923021, 24156927, 28184945). ClinVar contains an entry for this variant (VCV000052196.24).Based on the classification criteria set by the ACMG and AMP (PMID:25741868) this variant has been classified as Pathogenic.

Labcorp Genetics (formerly Invitae), Labcorp
Classification: Pathogenic for Hereditary breast ovarian cancer syndrome. Last evaluated: 2025-02-07. Review status: criteria provided, single submitter. Criteria: Invitae Variant Classification Sherloc (09022015). Collection method: clinical testing. Allele origin: germline. Not counted in ClinVar's aggregate classification.
Comment: This sequence change creates a premature translational stop signal (p.Arg2272Glufs*8) in the BRCA2 gene. It is expected to result in an absent or disrupted protein product. Loss-of-function variants in BRCA2 are known to be pathogenic (PMID: 20104584). This variant is not present in population databases (gnomAD no frequency). This premature translational stop signal has been observed in individual(s) with a personal and/or family history of breast or ovarian cancer (PMID: 22923021, 24156927, 28184945). ClinVar contains an entry for this variant (Variation ID: 52196). For these reasons, this variant has been classified as Pathogenic.

GeneDx
Classification: Pathogenic. Last evaluated: 2024-12-26. Review status: criteria provided, single submitter. Criteria: GeneDx Variant Classification Process June 2021. Collection method: clinical testing. Allele origin: germline. Affected: yes. Not counted in ClinVar's aggregate classification.
Comment: Frameshift variant predicted to result in protein truncation or nonsense mediated decay in a gene for which loss of function is a known mechanism of disease; Not observed at significant frequency in large population cohorts (gnomAD); Observed in individuals with a personal or family history consistent with pathogenic variants in this gene (PMID: 22923021, 24156927, 28184945, 28947987); Truncating variants in this gene are considered pathogenic by a well-established clinical consortium and/or database; Also known as 7042del; This variant is associated with the following publications: (PMID: 22923021, 28184945, 24156927, 28947987, Bahsi2020[case report], 36149077, 37762691)

Ambry Genetics
Classification: Pathogenic for Hereditary cancer-predisposing syndrome. Last evaluated: 2024-12-03. Review status: criteria provided, single submitter. Criteria: Ambry Variant Classification Scheme 2023. Collection method: clinical testing. Allele origin: germline. Not counted in ClinVar's aggregate classification.
Comment: The c.6814delA pathogenic mutation, located in coding exon 10 of the BRCA2 gene, results from a deletion of one nucleotide at nucleotide position 6814, causing a translational frameshift with a predicted alternate stop codon (p.R2272Efs*8). This alteration has been seen in multiple patients with personal and family histories of breast cancer (Novakovi S et al. Int. J. Oncol., 2012 Nov;41:1619-27; Meynard G et al. Oncol. Rep., 2017 Mar;37:1573-1578). This variant is considered to be rare based on population cohorts in the Genome Aggregation Database (gnomAD). In addition to the clinical data presented in the literature, this alteration is expected to result in loss of function by premature protein truncation or nonsense-mediated mRNA decay. As such, this alteration is interpreted as a disease-causing mutation.

Quest Diagnostics Nichols Institute San Juan Capistrano
Classification: Pathogenic. Last evaluated: 2024-09-26. Review status: criteria provided, single submitter. Criteria: Quest Diagnostics criteria. Collection method: clinical testing. Allele origin: unknown. Not counted in ClinVar's aggregate classification.
Comment: The BRCA2 c.6814del (p.Arg2272Glufs*8) variant alters the translational reading frame of the BRCA2 mRNA and causes the premature termination of BRCA2 protein synthesis. This variant has been reported in the published literature in individuals and families with breast and/or ovarian cancer (PMIDs: 2293021 (2012), 24156927 (2014), 29446198 (2018)), including an individual with metastatic breast cancer in whom the variant was found to be de novo (PMID: 28184945 (2017)). This variant has not been reported in large, multi-ethnic general populations (Genome Aggregation Database). Based on the available information, this variant is classified as pathogenic.

All of Us Research Program, National Institutes of Health
Classification: Pathogenic for Breast-ovarian cancer, familial, susceptibility to, 2. Last evaluated: 2023-08-15. Review status: criteria provided, single submitter. Criteria: ACMG Guidelines, 2015. Collection method: clinical testing. Allele origin: germline. Inheritance: Autosomal dominant inheritance. Observed: 1 variant allele, 1 heterozygote. Not counted in ClinVar's aggregate classification.
Comment: This variant deletes 1 nucleotide in exon 11 of the BRCA2 gene, creating a frameshift and premature translation stop signal. This variant is expected to result in an absent or non-functional protein product. This variant has been reported in individuals with a personal or family history of breast and/or ovarian cancer (PMID: 22923021, 28184945, DOI 10.1515/tjb-2019-0424). This variant has not been identified in the general population by the Genome Aggregation Database (gnomAD). Loss of BRCA2 function is a known mechanism of disease. Based on the available evidence, this variant is classified as Pathogenic.

This study involves interpretation of variants in research participants for the purpose of population health screening. Participant phenotype was not available at the time of variant classification. Additional details can be found in publication PMID: 35346344, PMCID: PMC8962531

Color Diagnostics, LLC DBA Color Health
Classification: Pathogenic for Hereditary cancer-predisposing syndrome. Last evaluated: 2023-06-14. Review status: criteria provided, single submitter. Criteria: ACMG Guidelines, 2015. Collection method: clinical testing. Allele origin: germline. Not counted in ClinVar's aggregate classification.
Comment: This variant deletes 1 nucleotide in exon 11 of the BRCA2 gene, creating a frameshift and premature translation stop signal. This variant is expected to result in an absent or non-functional protein product. This variant has been reported in individuals with a personal or family history of breast and/or ovarian cancer (PMID: 22923021, 28184945, DOI 10.1515/tjb-2019-0424). This variant has not been identified in the general population by the Genome Aggregation Database (gnomAD). Loss of BRCA2 function is a known mechanism of disease. Based on the available evidence, this variant is classified as Pathogenic.

Department of Molecular Diagnostics, Institute of Oncology Ljubljana
Classification: Pathogenic for Breast-ovarian cancer, familial, susceptibility to, 1. Last evaluated: 2020-04-02. Review status: criteria provided, single submitter. Criteria: ACMG Guidelines, 2015. Collection method: clinical testing. Allele origin: germline. Affected: yes. Not counted in ClinVar's aggregate classification.

Consortium of Investigators of Modifiers of BRCA1/2 (CIMBA), c/o University of Cambridge
Classification: Pathogenic for Breast-ovarian cancer, familial, susceptibility to, 2. Last evaluated: 2015-10-02. Review status: criteria provided, single submitter. Criteria: CIMBA Mutation Classification guidelines May 2016. Collection method: clinical testing. Allele origin: germline. Not counted in ClinVar's aggregate classification.

Research Molecular Genetics Laboratory, Women's College Hospital, University of Toronto
Classification: Pathogenic for Hereditary breast ovarian cancer syndrome. Last evaluated: 2014-01-31. Review status: no assertion criteria provided. Collection method: research. Allele origin: germline. Affected: yes. Study: The Canadian Open Genetics Repository (COGR). Not counted in ClinVar's aggregate classification.

Department of Pathology and Laboratory Medicine, Sinai Health System
Classification: Uncertain significance. Review status: no assertion criteria provided. Collection method: clinical testing. Allele origin: unknown. Affected: yes. Observed: 2 variant alleles. Study: The Canadian Open Genetics Repository (COGR). Not counted in ClinVar's aggregate classification.

Literature cited by the submitters: PubMed 20104584 (cited by GeneKor MSA and Labcorp Genetics (formerly Invitae), Labcorp); PubMed 22923021 (cited by 6 submitters); PubMed 24156927 (cited by 3 submitters); PubMed 28184945 (cited by 6 submitters); PubMed 29446198 (cited by Quest Diagnostics Nichols Institute San Juan Capistrano).